The following is an entry in ClinVar:

ClinVar aggregate classification (germline): Pathogenic. Review status: criteria provided, multiple submitters, no conflicts (2 of 4 stars). 12 submissions from 12 submitters: Pathogenic (11). 1 of the submissions does not count toward it. Last evaluated 2026-08-06.

Conditions:
Inborn genetic diseases. Identifiers: MedGen C0950123, MeSH D030342.
Arginase deficiency. Also called: ARG1 DEFICIENCY; Arginase 1 Deficiency; ARGININEMIA. Identifiers: Orphanet 90, MedGen C0268548, MONDO:0008814, OMIM 207800.

Allele frequency attached by ClinVar (database versions not stated): ExAC 0.00004; gnomAD 0.00001; TOPMed 0.00004.
gnomAD v4.1: 31 of 1,613,496 alleles (0.0019%); highest among the groups gnomAD compares: Admixed American, 0.022%; no homozygotes.

Submissions (12):

OLLIN Analises Genomicas, OLLIN
Classification: Pathogenic for Arginase deficiency. Last evaluated: 2026-08-06. Review status: criteria provided, single submitter. Criteria: ACMG Guidelines 2015 PMID 25741868. Collection method: clinical testing. Allele origin: germline. Inheritance: Autosomal recessive inheritance.
Comment: This nonsense variant, located in exon 2 (of 8), has been reported in ClinVar (accession VCV001025000.10), in gnomAD with an allele frequency of 0.0019%, and in the scientific literature, in compound heterozygosity, in individuals with ARG1 related disorders (PMID: 27898091, 10502833, 21802329, 29726057). This variant introduces a premature stop codon, which is predicted to result in either a truncated protein or degradation of the mRNA via nonsense-mediated decay (NMD). Functional studies suggest that this variant may affect protein function (PMID: 27898091). According to the currently available evidence, this variant has been classified as pathogenic (PVS1_S, PS3_P, PM2_P, PM3_S).

Dasa
Classification: Pathogenic. Last evaluated: 2026-03-25. Review status: criteria provided, single submitter. Criteria: DASA Assertion Criteria. Collection method: clinical testing. Allele origin: germline.
Comment: NM_000045.4(ARG1):c.61C>T (p.Arg21*) introduces a premature termination codon predicted to result in loss of normal protein function. Loss-of-function is an established mechanism of disease for this gene. This variant has been observed in affected individuals with related phenotype in a genotype context consistent with recessive disease (PMID: 29726057; PMID: 10502833; PMID: 21802329). This variant has been recurrently observed in individuals with related phenotype (PMID: 29726057; PMID: 10502833; PMID: 21802329). The variant is present at low frequency in population datasets. Based on the available data, this variant is classified as pathogenic.

Labcorp Genetics (formerly Invitae), Labcorp
Classification: Pathogenic for Arginase deficiency. Last evaluated: 2026-01-26. Review status: criteria provided, single submitter. Criteria: Invitae Variant Classification Sherloc (09022015). Collection method: clinical testing. Allele origin: germline.
Comment: This sequence change creates a premature translational stop signal (p.Arg21*) in the ARG1 gene. It is expected to result in an absent or disrupted protein product. Loss-of-function variants in ARG1 are known to be pathogenic (PMID: 7649538, 12052859). This variant is present in population databases (rs104893944, gnomAD 0.03%). This premature translational stop signal has been observed in individuals with argininemia (PMID: 10502833, 21802329). ClinVar contains an entry for this variant (Variation ID: 2397). Algorithms developed to predict the effect of sequence changes on RNA splicing suggest that this variant may disrupt the consensus splice site. For these reasons, this variant has been classified as Pathogenic.

Baylor Genetics
Classification: Pathogenic for Arginase deficiency. Last evaluated: 2023-12-19. Review status: criteria provided, single submitter. Criteria: ACMG Guidelines, 2015. Collection method: clinical testing. Allele origin: unknown.

GeneDx
Classification: Pathogenic. Last evaluated: 2023-12-11. Review status: criteria provided, single submitter. Criteria: GeneDx Variant Classification Process June 2021. Collection method: clinical testing. Allele origin: germline. Affected: yes.
Comment: Nonsense variant predicted to result in protein truncation or nonsense mediated decay in a gene for which loss of function is a known mechanism of disease; This variant is associated with the following publications: (PMID: 29726057, 25525159, 26467175, 27898091, 10502833, 21802329, 31803747, 32695736, 33325055, 30693370, 32778825, 22959135)

3billion
Classification: Pathogenic for Arginase deficiency. Last evaluated: 2023-09-04. Review status: criteria provided, single submitter. Criteria: ACMG Guidelines, 2015. Collection method: clinical testing. Allele origin: germline. Affected: yes.
Comment: The variant is observed at an extremely low frequency in the gnomAD v2.1.1 dataset (total allele frequency: 0.006%). Predicted Consequence/Location: Stop-gained (nonsense): predicted to result in a loss or disruption of normal protein function through nonsense-mediated decay (NMD) or protein truncation. Multiple pathogenic variants are reported downstream of the variant. Functional studies provide moderate evidence of the variant having a damaging effect on the gene or gene product (PMID: 27898091). The variant has been reported at least twice as pathogenic with clinical assertions and evidence for the classification (ClinVar ID: VCV000002397 /PMID: 10502833). Therefore, this variant is classified as Pathogenic according to the recommendation of ACMG/AMP guideline.

Laboratorio de Genetica e Diagnostico Molecular, Hospital Israelita Albert Einstein
Classification: Pathogenic for Arginase deficiency. Last evaluated: 2022-11-19. Review status: criteria provided, single submitter. Criteria: ACMG Guidelines, 2015. Collection method: clinical testing. Allele origin: germline. Affected: yes. Observed: 2 variant alleles.
Comment: ACMG classification criteria: PVS1 strong, PM2 supporting, PM3 strong, PP1 supporting

Revvity Omics, Revvity
Classification: Pathogenic for Arginase deficiency. Last evaluated: 2021-09-28. Review status: criteria provided, single submitter. Criteria: ACMG Guidelines, 2015. Collection method: clinical testing. Allele origin: germline.

Ambry Genetics
Classification: Pathogenic for Inborn genetic diseases. Last evaluated: 2021-07-13. Review status: criteria provided, single submitter. Criteria: Ambry Variant Classification Scheme 2023. Collection method: clinical testing. Allele origin: germline.
Comment: The c.61C>T (p.R21*) alteration, located in exon 2 (coding exon 2) of the ARG1 gene, consists of a C to T substitution at nucleotide position 61. This changes the amino acid from an arginine (R) to a stop codon at amino acid position 21. This alteration is expected to result in loss of function by premature protein truncation or nonsense-mediated mRNA decay. This mutation has been reported in the homozygous and compound heterozygous states in patients with argininemia (Cardoso, 1999; Jain-Ghai, 2011; Diez-Fernandez, 2018). Based on the available evidence, this alteration is classified as pathogenic.

Genomic Research Center, Shahid Beheshti University of Medical Sciences
Classification: Pathogenic for Arginase deficiency. Last evaluated: 2020-05-03. Review status: criteria provided, single submitter. Criteria: ACMG Guidelines, 2015. Collection method: clinical testing. Allele origin: unknown. Affected: yes.

Fulgent Genetics
Classification: Pathogenic for Arginase deficiency. Last evaluated: 2018-10-31. Review status: criteria provided, single submitter. Criteria: ACMG Guidelines, 2015. Collection method: clinical testing. Allele origin: unknown.

OMIM
Classification: Pathogenic for ARGININEMIA. Last evaluated: 1999-10-01. Review status: no assertion criteria provided. Collection method: literature only. Allele origin: germline. Not counted in ClinVar's aggregate classification.

Literature cited by the submitters: PubMed 27898091 (cited by OLLIN Analises Genomicas, OLLIN and 3billion); PubMed 10502833 (cited by 6 submitters); PubMed 21802329 (cited by 4 submitters); PubMed 29726057 (cited by 3 submitters); PubMed 7649538 (cited by Labcorp Genetics (formerly Invitae), Labcorp); PubMed 12052859 (cited by Labcorp Genetics (formerly Invitae), Labcorp).

NM_000045.4(ARG1):c.61C>T (p.Arg21Ter)

Genes: ARG1 (arginase 1; plus strand), MED23 (mediator complex subunit 23; minus strand). Cytogenetic location: 6q23.2.
Variant type: single nucleotide variant.
Coding change: c.61C>T on transcript NM_000045.4 (MANE Select); coding-DNA position 61, C replaced by T.
Protein change: p.Arg21Ter; replaces arginine 21 with a stop codon.
Molecular consequence: nonsense. On other transcripts: intron variant (2).
Genome position (GRCh38, 1-based): chr6:131,576,666, C>T. VCF-style: chr6-131576666-C-T. GRCh37 (hg19) VCF-style: chr6-131897806-C-T.
Other names: c.61C>T, p.Arg21Ter (NM_001244438.2, NM_001369020.1); c.4078-2371G>A (NM_001270521.2); c.4096-2371G>A (NM_015979.4); short protein forms R21*.
Identifiers: ClinVar variation 2397 (VCV000002397.29), dbSNP rs104893944, ClinGen allele CA339978.